The following is an entry in ClinVar:

ClinVar aggregate classification (germline): Pathogenic. Review status: criteria provided, multiple submitters, no conflicts (2 of 4 stars). 3 submissions from 2 submitters: Pathogenic (3). Last evaluated 2023-07-22.

Conditions:
Juvenile polyposis syndrome (JPS). Identifiers: Orphanet 2929, MedGen C0345893, MONDO:0017380, OMIM 174900.
Generalized juvenile polyposis/juvenile polyposis coli. Also called: Juvenile polyposis coli. Identifiers: Orphanet 329971, MedGen C1868081, MONDO:0008276.

Submissions (3):

Labcorp Genetics (formerly Invitae), Labcorp
Classification: Pathogenic for Juvenile polyposis syndrome. Last evaluated: 2023-07-22. Review status: criteria provided, single submitter. Criteria: Invitae Variant Classification Sherloc (09022015). Collection method: clinical testing. Allele origin: germline.
Comment: This sequence change creates a premature translational stop signal (p.Phe83Hisfs*6) in the BMPR1A gene. It is expected to result in an absent or disrupted protein product. Loss-of-function variants in BMPR1A are known to be pathogenic (PMID: 11536076, 12417513). This variant is not present in population databases (gnomAD no frequency). This variant has not been reported in the literature in individuals affected with BMPR1A-related conditions. ClinVar contains an entry for this variant (Variation ID: 188270). For these reasons, this variant has been classified as Pathogenic.

Myriad Genetics, Inc.
Classification: Pathogenic for Juvenile polyposis syndrome. Last evaluated: 2023-05-25. Review status: criteria provided, single submitter. Criteria: Myriad Autosomal Dominant, Autosomal Recessive and X-Linked Classification Criteria (2023). Collection method: clinical testing. Allele origin: unknown.
Comment: This variant is considered pathogenic. This variant creates a frameshift predicted to result in premature protein truncation.

Labcorp Genetics (formerly Invitae), Labcorp
Classification: Pathogenic for Juvenile polyposis syndrome. Last evaluated: 2015-02-02. Review status: criteria provided, single submitter. Criteria: Invitae Variant Classification Sherloc (09022015). Collection method: clinical testing. Allele origin: germline.
Comment: This sequence change deletes 5 nucleotides in exon 5 of the BMPR1A mRNA (c.243_247delTTGCT), causing a frameshift at codon 83. This creates a premature translational stop signal (p.Phe83Hisfs*6) and is expected to result in an absent or disrupted protein product. While this particular sequence change has not been reported in the literature, truncating sequence changes in BMPR1A are known to be pathogenic (PMID: 11536076, 12417513, 16152648). For these reasons, this sequence change has been classified as Pathogenic.

Literature cited by the submitters: PubMed 11536076 (cited by Labcorp Genetics (formerly Invitae), Labcorp); PubMed 12417513 (cited by Labcorp Genetics (formerly Invitae), Labcorp).

NM_004329.3(BMPR1A):c.247_251del (p.Phe83fs)

Gene: BMPR1A (bone morphogenetic protein receptor type 1A; plus strand). Cytogenetic location: 10q23.2.
Variant type: Deletion.
Coding change: c.247_251del on transcript NM_004329.3 (MANE Select); coding-DNA positions 247 to 251, 5 bases deleted (TTTGC; older notation c.247_251delTTTGC).
Protein change: p.Phe83fs; shifts the reading frame from phenylalanine 83.
Molecular consequence: frameshift variant.
Genome position (GRCh38, 1-based): chr10:86,892,143-86,892,147, TTTGC deleted; deleting any 5 consecutive bases within chr10:86,892,139-86,892,147 gives the same sequence; the c. name uses the placement nearest the transcript's 3' end. VCF-style (leftmost placement, unchanged base first): chr10-86892138-ATTGCT-A. GRCh37 (hg19) VCF-style: chr10-88651895-ATTGCT-A.
Other names: c.243_247delTTGCT (NM_004329.2); short protein forms F83fs.
Identifiers: ClinVar variation 188270 (VCV000188270.10), dbSNP rs786204187, ClinGen allele CA334485.